The following is an entry in ClinVar:

NM_001271.4(CHD2):c.2730A>T (p.Val910=)

Gene: CHD2 (chromodomain helicase DNA binding protein 2; plus strand). Cytogenetic location: 15q26.1.
Variant type: single nucleotide variant.
Coding change: c.2730A>T on transcript NM_001271.4 (MANE Select); coding-DNA position 2730, A replaced by T.
Protein change: p.Val910=; no amino-acid change (valine 910 retained).
Molecular consequence: synonymous variant.
Genome position (GRCh38, 1-based): chr15:92,979,137, A>T. VCF-style: chr15-92979137-A-T. GRCh37 (hg19) VCF-style: chr15-93522367-A-T.
Identifiers: ClinVar variation 383090 (VCV000383090.41), dbSNP rs77895180, ClinGen allele CA7748065.
Genomic context (GRCh38, chr15:92,979,137, plus strand): 5'-TTTTTGGGGGGGTTGGGGGGTGGTTCAGGCATAAGCATAACAGTTCCTTTTCCTACAGGT[A>T]AATATTTACCGCTTAGTTACAAAGGGGACTGTGGAGGAGGAGATCATAGAACGGGCCAAA-3'
Protein context (NP_001262.3, residues 900-920): RAHRIGQKKQ[Val910=]NIYRLVTKGT

ClinVar aggregate classification (germline): Benign/Likely benign. Review status: criteria provided, multiple submitters, no conflicts (2 of 4 stars). 6 submissions from 6 submitters: Benign (4); Likely benign (2). Last evaluated 2026-01-26.

Conditions:
Inborn genetic diseases. Identifiers: MedGen C0950123, MeSH D030342.
Developmental and epileptic encephalopathy 94 (DEE94). Also called: Epileptic encephalopathy, childhood-onset; CHD2-Related Neurodevelopmental Disorders. Identifiers: Orphanet 1942, Orphanet 2382, MedGen C3809278, MONDO:0014150, OMIM 615369.

Allele frequency attached by ClinVar (database versions not stated): gnomAD exomes 0.00013; ESP Exome Variant Server 0.00131; TOPMed 0.00158; gnomAD 0.00169 and 0.00172; 1000 Genomes Project 30x 0.00187; 1000 Genomes Project 0.00200.
gnomAD v4.1: 455 of 1,613,864 alleles (0.028%); highest among the groups gnomAD compares: African/African-American, 0.54%; 1 homozygote.

Submissions (6):

Labcorp Genetics (formerly Invitae), Labcorp
Classification: Benign for Developmental and epileptic encephalopathy 94. Last evaluated: 2026-01-26. Review status: criteria provided, single submitter. Criteria: Invitae Variant Classification Sherloc (09022015). Collection method: clinical testing. Allele origin: germline.

Blueprint Genetics
Classification: Likely benign. Last evaluated: 2024-09-02. Review status: criteria provided, single submitter. Criteria: ACMG Guidelines, 2015. Collection method: clinical testing. Allele origin: germline.

Athena Diagnostics
Classification: Benign. Last evaluated: 2024-06-06. Review status: criteria provided, single submitter. Criteria: Athena Diagnostics Criteria. Collection method: clinical testing. Allele origin: unknown.

CeGaT Center for Human Genetics Tuebingen
Classification: Benign. Last evaluated: 2022-07-01. Review status: criteria provided, single submitter. Criteria: CeGaT Center For Human Genetics Tuebingen Variant Classification Criteria Version 2. Collection method: clinical testing. Allele origin: germline. Affected: yes. Observed: 2 variant alleles.
Comment: CHD2: BS1, BS2

Ambry Genetics
Classification: Likely benign for Inborn genetic diseases. Last evaluated: 2016-11-18. Review status: criteria provided, single submitter. Criteria: Ambry Variant Classification Scheme 2023. Collection method: clinical testing. Allele origin: germline.

GeneDx
Classification: Benign. Last evaluated: 2016-06-30. Review status: criteria provided, single submitter. Criteria: GeneDx Variant Classification (06012015). Collection method: clinical testing. Allele origin: germline. Affected: yes.
Comment: This variant is considered likely benign or benign based on one or more of the following criteria: it is a conservative change, it occurs at a poorly conserved position in the protein, it is predicted to be benign by multiple in silico algorithms, and/or has population frequency not consistent with disease.